The following is an entry in ClinVar:

NM_183050.4(BCKDHB):c.971G>A (p.Arg324Gln)

Gene: BCKDHB (branched chain keto acid dehydrogenase E1 subunit beta; plus strand). Cytogenetic location: 6q14.1.
Variant type: single nucleotide variant.
Coding change: c.971G>A on transcript NM_183050.4 (MANE Select); coding-DNA position 971, G replaced by A.
Protein change: p.Arg324Gln; replaces arginine 324 with glutamine.
Molecular consequence: missense variant. On other transcripts: non-coding transcript variant (1).
Genome position (GRCh38, 1-based): chr6:80,273,154, G>A. VCF-style: chr6-80273154-G-A. GRCh37 (hg19) VCF-style: chr6-80982871-G-A.
Other names: c.971G>A, p.Arg324Gln (NM_000056.5); c.761G>A, p.Arg254Gln (NM_001318975.1); short protein forms R324Q, R254Q.
Identifiers: ClinVar variation 2147600 (VCV002147600.1), dbSNP rs779150907, ClinGen allele CA3902815.
Genomic context (GRCh38, chr6:80,273,154, plus strand): 5'-AGATATTCTTTTTAACATCAGGTTTTTCTTTTCTCTTTCAGTCTGTGATCAAAACAGGGC[G>A]ACTGCTAATCAGTCACGAGGCTCCCTTGACAGGCGGCTTTGCATCGGAAATCAGCTCTAC-3'
Protein context (NP_898871.1, residues 314-334): TICKSVIKTG[Arg324Gln]LLISHEAPLT

ClinVar aggregate classification (germline): Uncertain significance (1 of 4 stars; one submission).

Conditions:
Maple syrup urine disease (MSUD). Identifiers: Orphanet 511, MedGen C0024776, MeSH D008375, MONDO:0009563. Disease mechanism: loss of function.

Allele frequency attached by ClinVar (database versions not stated): TOPMed 0.00002.
gnomAD v4.1: 23 of 1,613,168 alleles (0.0014%); highest among the groups gnomAD compares: South Asian, 0.0077%; no homozygotes.

Submission:

Labcorp Genetics (formerly Invitae), Labcorp
Classification: Uncertain significance for Maple syrup urine disease. Last evaluated: 2022-02-17. Review status: criteria provided, single submitter. Criteria: Invitae Variant Classification Sherloc (09022015). Collection method: clinical testing. Allele origin: germline.
Comment: This sequence change replaces arginine, which is basic and polar, with glutamine, which is neutral and polar, at codon 324 of the BCKDHB protein (p.Arg324Gln). This variant is present in population databases (rs779150907, gnomAD 0.003%). This variant has not been reported in the literature in individuals affected with BCKDHB-related conditions. Algorithms developed to predict the effect of missense changes on protein structure and function are either unavailable or do not agree on the potential impact of this missense change (SIFT: "Tolerated"; PolyPhen-2: "Probably Damaging"; Align-GVGD: "Class C0"). In summary, the available evidence is currently insufficient to determine the role of this variant in disease. Therefore, it has been classified as a Variant of Uncertain Significance.